The following is an entry in ClinVar:

ClinVar aggregate classification (germline): Uncertain significance. Review status: criteria provided, multiple submitters, no conflicts (2 of 4 stars). 6 submissions from 6 submitters: Uncertain significance (6). Last evaluated 2026-03-17.

Conditions:
Cardiovascular phenotype. Identifiers: MedGen CN230736.
Catecholaminergic polymorphic ventricular tachycardia 1. Also called: VENTRICULAR TACHYCARDIA, CATECHOLAMINERGIC POLYMORPHIC, 1, WITH OR WITHOUT ATRIAL DYSFUNCTION AND/OR DILATED CARDIOMYOPATHY; RYR2-Related Catecholaminergic Polymorphic Ventricular Tachycardia; VENTRICULAR TACHYCARDIA, STRESS-INDUCED POLYMORPHIC 1. Identifiers: Orphanet 3286, MedGen C1631597, MONDO:0011484, OMIM 604772.
Catecholaminergic polymorphic ventricular tachycardia (CVPT). Also called: Catecholamine-induced polymorphic ventricular tachycardia. Identifiers: Orphanet 3286, MedGen C5574922, MONDO:0017990.
RYR2-related disorder. Also called: RYR2-related condition.

Allele frequency attached by ClinVar (database versions not stated): gnomAD exomes below 0.00001; TOPMed 0.00001.
gnomAD v4.1: 3 of 1,591,772 alleles (0.00019%); highest among the groups gnomAD compares: Non-Finnish European, 0.00026%; no homozygotes.

Submissions (6):

GeneDx
Classification: Uncertain significance. Last evaluated: 2026-03-17. Review status: criteria provided, single submitter. Criteria: GeneDx Variant Classification Process June 2021. Collection method: clinical testing. Allele origin: germline.
Comment: Not observed at significant frequency in large population cohorts (gnomAD); In silico analysis supports that this missense variant has a deleterious effect on protein structure/function; Not located in one of the three hot-spot regions of the RYR2 gene, where the majority of pathogenic missense variants occur (PMID: 19926015); Has not been previously published as pathogenic or benign to our knowledge; This variant is associated with the following publications: (PMID: 19926015)

PreventionGenetics, part of Exact Sciences
Classification: Uncertain significance for RYR2-related condition. Last evaluated: 2025-11-19. Review status: criteria provided, single submitter. Criteria: ACMG Guidelines, 2015. Collection method: clinical testing. Allele origin: germline.
Comment: The RYR2 c.9344A>G variant is predicted to result in the amino acid substitution p.His3115Arg. To our knowledge, this variant has not been reported in the literature. This variant is reported in 0.00094% of alleles in individuals of European (Non-Finnish) descent in gnomAD. At this time, the clinical significance of this variant is uncertain due to the absence of conclusive functional and genetic evidence.

Ambry Genetics
Classification: Uncertain significance for Cardiovascular phenotype. Last evaluated: 2025-04-17. Review status: criteria provided, single submitter. Criteria: Ambry Variant Classification Scheme 2023. Collection method: clinical testing. Allele origin: germline.
Comment: The p.H3115R variant (also known as c.9344A>G), located in coding exon 65 of the RYR2 gene, results from an A to G substitution at nucleotide position 9344. The histidine at codon 3115 is replaced by arginine, an amino acid with highly similar properties. This amino acid position is well conserved in available vertebrate species. In addition, this alteration is predicted to be tolerated by in silico analysis. Since supporting evidence is limited at this time, the clinical significance of this alteration remains unclear.

Labcorp Genetics (formerly Invitae), Labcorp
Classification: Uncertain significance for Catecholaminergic polymorphic ventricular tachycardia 1. Last evaluated: 2024-08-06. Review status: criteria provided, single submitter. Criteria: Invitae Variant Classification Sherloc (09022015). Collection method: clinical testing. Allele origin: germline.
Comment: This sequence change replaces histidine, which is basic and polar, with arginine, which is basic and polar, at codon 3115 of the RYR2 protein (p.His3115Arg). The frequency data for this variant in the population databases is considered unreliable, as metrics indicate poor data quality at this position in the gnomAD database. This variant has not been reported in the literature in individuals affected with RYR2-related conditions. ClinVar contains an entry for this variant (Variation ID: 1705099). Advanced modeling of protein sequence and biophysical properties (such as structural, functional, and spatial information, amino acid conservation, physicochemical variation, residue mobility, and thermodynamic stability) performed at Invitae indicates that this missense variant is not expected to disrupt RYR2 protein function with a negative predictive value of 95%. In summary, the available evidence is currently insufficient to determine the role of this variant in disease. Therefore, it has been classified as a Variant of Uncertain Significance.

All of Us Research Program, National Institutes of Health
Classification: Uncertain significance for Catecholaminergic polymorphic ventricular tachycardia. Last evaluated: 2023-09-17. Review status: criteria provided, single submitter. Criteria: ACMG Guidelines, 2015. Collection method: clinical testing. Allele origin: germline. Inheritance: Autosomal dominant inheritance. Observed: 1 variant allele, 1 heterozygote.
Comment: This missense variant replaces histidine with arginine at codon 3115 of the RYR2 protein. Computational prediction suggests that this variant may not impact protein structure and function (internally defined REVEL score threshold <= 0.5, PMID: 27666373). To our knowledge, functional studies have not been reported for this variant. This variant has not been reported in individuals affected with RYR2-related disorders in the literature. This variant has been identified in 1/237818 chromosomes in the general population by the Genome Aggregation Database (gnomAD). The available evidence is insufficient to determine the role of this variant in disease conclusively. Therefore, this variant is classified as a Variant of Uncertain Significance.

This study involves interpretation of variants in research participants for the purpose of population health screening. Participant phenotype was not available at the time of variant classification. Additional details can be found in publication PMID: 35346344, PMCID: PMC8962531

Women's Health and Genetics/Laboratory Corporation of America, LabCorp
Classification: Uncertain significance. Last evaluated: 2022-08-15. Review status: criteria provided, single submitter. Criteria: LabCorp Variant Classification Summary - May 2015. Collection method: clinical testing. Allele origin: germline.

NM_001035.3(RYR2):c.9344A>G (p.His3115Arg)

Gene: RYR2 (ryanodine receptor 2; plus strand). Cytogenetic location: 1q43.
Variant type: single nucleotide variant.
Coding change: c.9344A>G on transcript NM_001035.3 (MANE Select); coding-DNA position 9344, A replaced by G.
Protein change: p.His3115Arg; replaces histidine 3115 with arginine.
Molecular consequence: missense variant.
Genome position (GRCh38, 1-based): chr1:237,700,444, A>G. VCF-style: chr1-237700444-A-G. GRCh37 (hg19) VCF-style: chr1-237863744-A-G.
Other names: short protein forms H3115R.
Identifiers: ClinVar variation 1705099 (VCV001705099.9), dbSNP rs1309880123, ClinGen allele CA345406216.